The following is an entry in ClinVar:

ClinVar aggregate classification (germline): Likely pathogenic. Review status: criteria provided, single submitter (1 of 4 stars). 2 submissions from 2 submitters: Likely pathogenic (1). 1 of the submissions does not count toward it. Last evaluated 2025-01-22.

Conditions:
X-linked chondrodysplasia punctata 1 (CDPX1). Also called: CHONDRODYSPLASIA PUNCTATA, BRACHYTELEPHALANGIC; Chondrodysplasia punctata, X-linked recessive. Identifiers: Orphanet 79345, MedGen C3669395, MONDO:0010555, OMIM 302950.

Allele frequency attached by ClinVar (database versions not stated): gnomAD 0.00001; gnomAD exomes 0.00001; 1000 Genomes Project 0.00026; ExAC 0.00001; 1000 Genomes Project 30x 0.00021.
gnomAD v4.1: 1 of 1,210,330 alleles (0.000083%); highest among the groups gnomAD compares: African/African-American, 0.0017%; no homozygotes.

Submissions (2):

GeneDx
Classification: Likely pathogenic. Last evaluated: 2025-01-22. Review status: criteria provided, single submitter. Criteria: GeneDx Variant Classification Process June 2021. Collection method: clinical testing. Allele origin: germline. Affected: yes.
Comment: Published functional studies found this variant is associated with significantly reduced enzyme activity (PMID: 23470839); In silico analysis supports that this missense variant has a deleterious effect on protein structure/function; This variant is associated with the following publications: (PMID: 38053926, 23470839, 18348268)

GeneReviews
No classification provided. Condition: X-linked chondrodysplasia punctata 1. Review status: no classification provided. Collection method: literature only. Allele origin: unknown. Not counted in ClinVar's aggregate classification.

Literature cited by the submitters: PubMed 18348268 (cited by GeneReviews); PubMed 20301713 (cited by GeneReviews); NCBI Bookshelf NBK1544 (cited by GeneReviews).

NM_000047.3(ARSL):c.119T>G (p.Ile40Ser)

Gene: ARSL (arylsulfatase L; minus strand). Cytogenetic location: Xp22.33.
Variant type: single nucleotide variant.
Coding change: c.119T>G on transcript NM_000047.3 (MANE Select); coding-DNA position 119, T replaced by G.
Protein change: p.Ile40Ser; replaces isoleucine 40 with serine.
Molecular consequence: missense variant. On other transcripts: intron variant (1).
Genome position (GRCh38, 1-based): chrX:2,958,340, A>C on the plus strand (T>G on the coding strand, the complement: ARSL is on the minus strand). VCF-style: chrX-2958340-A-C. GRCh37 (hg19) VCF-style: chrX-2876381-A-C.
Other names: c.194T>G, p.Ile65Ser (NM_001282628.2, NM_001369080.1); c.146T>G, p.Ile49Ser (NM_001369079.1); c.23+2038T>G (NM_001282631.2); short protein forms I40S, I49S, I65S.
Identifiers: ClinVar variation 21031 (VCV000021031.4), dbSNP rs80338710, ClinGen allele CA341529.